The following is an entry in ClinVar:

NM_000295.5(SERPINA1):c.848A>T (p.Lys283Ile)

Gene: SERPINA1 (serpin family A member 1; minus strand). Cytogenetic location: 14q32.13.
Variant type: single nucleotide variant.
Coding change: c.848A>T on transcript NM_000295.5 (MANE Select); coding-DNA position 848, A replaced by T.
Protein change: p.Lys283Ile; replaces lysine 283 with isoleucine.
Molecular consequence: missense variant.
Genome position (GRCh38, 1-based): chr14:94,380,940, T>A on the plus strand (A>T on the coding strand, the complement: SERPINA1 is on the minus strand). VCF-style: chr14-94380940-T-A. GRCh37 (hg19) VCF-style: chr14-94847277-T-A.
Other names: c.848A>T, p.Lys283Ile (NM_001002235.3, NM_001002236.3, NM_001127700.2 and 7 more transcripts); short protein forms K283I.
Identifiers: ClinVar variation 219355 (VCV000219355.3), dbSNP rs864622044, ClinGen allele CA348043.

ClinVar aggregate classification (germline): Uncertain significance. Review status: criteria provided, multiple submitters, no conflicts (2 of 4 stars). 3 submissions from 3 submitters: Uncertain significance (2). 1 of the submissions does not count toward it. Last evaluated 2025-09-10.

Conditions:
Alpha-1-antitrypsin deficiency (A1ATD). Also called: AAT deficiency; A1AT deficiency; Alpha1-Antitrypsin Deficiency. Identifiers: Orphanet 60, MedGen C0221757, MONDO:0013282, OMIM 613490.

Allele frequency attached by ClinVar (database versions not stated): gnomAD exomes below 0.00001 and 0.00001; TOPMed below 0.00001.
gnomAD v4.1: 11 of 1,614,180 alleles (0.00068%); highest among the groups gnomAD compares: East Asian, 0.0022%; no homozygotes.

Submissions (3):

Labcorp Genetics (formerly Invitae), Labcorp
Classification: Uncertain significance for Alpha-1-antitrypsin deficiency. Last evaluated: 2025-09-10. Review status: criteria provided, single submitter. Criteria: Invitae Variant Classification Sherloc (09022015). Collection method: clinical testing. Allele origin: germline.
Comment: This sequence change replaces lysine, which is basic and polar, with isoleucine, which is neutral and non-polar, at codon 283 of the SERPINA1 protein (p.Lys283Ile). This variant is present in population databases (no rsID available, gnomAD 0.0009%). This missense change has been observed in individual(s) with alpha-1 antitrypsin deficiency (PMID: 18515255, 22723858). This variant is also known as Mpisa (p.Lys259Ile). ClinVar contains an entry for this variant (Variation ID: 219355). Invitae Evidence Modeling of protein sequence and biophysical properties (such as structural, functional, and spatial information, amino acid conservation, physicochemical variation, residue mobility, and thermodynamic stability) indicates that this missense variant is expected to disrupt SERPINA1 protein function with a positive predictive value of 80%. Experimental studies have shown that this missense change affects SERPINA1 function (PMID: 22723858). In summary, the available evidence is currently insufficient to determine the role of this variant in disease. Therefore, it has been classified as a Variant of Uncertain Significance.

HerediLab, Inc.
Classification: Uncertain significance for Alpha-1-antitrypsin deficiency. Last evaluated: 2015-07-23. Review status: criteria provided, single submitter. Criteria: HerediLab_Assertion_Criteria. Collection method: clinical testing. Allele origin: germline. Affected: yes.

Counsyl
Classification: Uncertain significance for Alpha-1-antitrypsin deficiency. Last evaluated: 2018-06-06. Review status: no assertion criteria provided. Collection method: clinical testing. Allele origin: unknown. Not counted in ClinVar's aggregate classification.

Literature cited by the submitters: PubMed 18515255 (cited by Labcorp Genetics (formerly Invitae), Labcorp and Counsyl); PubMed 22723858 (cited by Labcorp Genetics (formerly Invitae), Labcorp and Counsyl).